The following is an entry in ClinVar:

ClinVar aggregate classification (germline): Uncertain significance. Review status: criteria provided, multiple submitters, no conflicts (2 of 4 stars). 2 submissions from 2 submitters: Uncertain significance (2). Last evaluated 2025-11-25.

Conditions:
Combined oxidative phosphorylation defect type 14. Also called: Combined oxidative phosphorylation deficiency 14. Identifiers: Orphanet 319519, MedGen C4755312, MONDO:0013986, OMIM 614946.
Inborn genetic diseases. Identifiers: MedGen C0950123, MeSH D030342.

Allele frequency attached by ClinVar (database versions not stated): gnomAD exomes below 0.00001; ExAC 0.00001.
gnomAD v4.1: 9 of 1,613,352 alleles (0.00056%); highest among the groups gnomAD compares: Admixed American, 0.0017%; no homozygotes.

Submissions (2):

Ambry Genetics
Classification: Uncertain significance for Inborn genetic diseases. Last evaluated: 2025-11-25. Review status: criteria provided, single submitter. Criteria: Ambry Variant Classification Scheme 2023. Collection method: clinical testing. Allele origin: germline.

Labcorp Genetics (formerly Invitae), Labcorp
Classification: Uncertain significance for Combined oxidative phosphorylation defect type 14. Last evaluated: 2021-08-15. Review status: criteria provided, single submitter. Criteria: Invitae Variant Classification Sherloc (09022015). Collection method: clinical testing. Allele origin: germline.
Comment: This variant is present in population databases (rs753993545, ExAC 0.009%). In summary, the available evidence is currently insufficient to determine the role of this variant in disease. Therefore, it has been classified as a Variant of Uncertain Significance. Advanced modeling of protein sequence and biophysical properties (such as structural, functional, and spatial information, amino acid conservation, physicochemical variation, residue mobility, and thermodynamic stability) performed at Invitae indicates that this missense variant is not expected to disrupt FARS2 protein function. This variant has not been reported in the literature in individuals affected with FARS2-related conditions. This sequence change replaces alanine with threonine at codon 10 of the FARS2 protein (p.Ala10Thr). The alanine residue is moderately conserved and there is a small physicochemical difference between alanine and threonine.

NM_006567.5(FARS2):c.28G>A (p.Ala10Thr)

Genes: FARS2 (phenylalanyl-tRNA synthetase 2, mitochondrial; plus strand), LOC126859565 (CDK7 strongly-dependent group 2 enhancer GRCh37_chr6:5368745-5369944; plus strand). Cytogenetic location: 6p25.1.
Variant type: single nucleotide variant.
Coding change: c.28G>A on transcript NM_006567.5 (MANE Select); coding-DNA position 28, G replaced by A.
Protein change: p.Ala10Thr; replaces alanine 10 with threonine.
Molecular consequence: missense variant. On other transcripts: intron variant (2).
Genome position (GRCh38, 1-based): chr6:5,368,598, G>A. VCF-style: chr6-5368598-G-A. GRCh37 (hg19) VCF-style: chr6-5368831-G-A.
Other names: c.28G>A (NM_006567.3); c.28G>A, p.Ala10Thr (NM_001318872.2, NM_001374875.1, NM_001374876.1 and 5 more transcripts); c.-340-28035G>A (NM_001375260.1); c.-84-35944G>A (NM_001375259.1); short protein forms A10T.
Identifiers: ClinVar variation 1375178 (VCV001375178.7), dbSNP rs753993545, ClinGen allele CA3623581.